The following is an entry in ClinVar:

NM_017827.4(SARS2):c.393+214C>T

Gene: SARS2 (seryl-tRNA synthetase 2, mitochondrial; minus strand). Cytogenetic location: 19q13.2.
Variant type: single nucleotide variant.
Coding change: c.393+214C>T on transcript NM_017827.4 (MANE Select); 214 bases into the intron after coding-DNA position 393, C replaced by T.
Molecular consequence: intron variant. On other transcripts: missense variant (1).
Genome position (GRCh38, 1-based): chr19:38,922,024, G>A on the plus strand (C>T on the coding strand, the complement: SARS2 is on the minus strand). VCF-style: chr19-38922024-G-A. GRCh37 (hg19) VCF-style: chr19-39412664-G-A.
Other names: p.P150S:CCA>TCA; c.448C>T, p.Pro150Ser (NM_001145901.2); short protein forms P150S.
Identifiers: ClinVar variation 215108 (VCV000215108.3), dbSNP rs373754523, ClinGen allele CA322307.

ClinVar aggregate classification (germline): Likely benign. Review status: criteria provided, multiple submitters, no conflicts (2 of 4 stars). 3 submissions from 3 submitters: Likely benign (2). 1 of the submissions does not count toward it. Last evaluated 2024-11-01.

Conditions:
SARS2-related disorder. Also called: SARS2-related condition.

Allele frequency attached by ClinVar (database versions not stated): gnomAD exomes 0.00006 and 0.00038; 1000 Genomes Project 30x 0.00016; 1000 Genomes Project 0.00020; gnomAD 0.00029 and 0.00030; TOPMed 0.00031; ExAC 0.00033.
gnomAD v4.1: 281 of 1,553,140 alleles (0.018%); highest among the groups gnomAD compares: East Asian, 0.24%; 5 homozygotes.

Submissions (3):

Blueprint Genetics
Classification: Likely benign. Last evaluated: 2024-11-01. Review status: criteria provided, single submitter. Criteria: ACMG Guidelines, 2015. Collection method: clinical testing. Allele origin: germline.

GeneDx
Classification: Likely benign. Last evaluated: 2013-06-25. Review status: criteria provided, single submitter. Criteria: GeneDx Variant Classification (06012015). Collection method: clinical testing. Allele origin: germline. Affected: yes.
Comment: This variant is considered likely benign or benign based on one or more of the following criteria: it is a conservative change, it occurs at a poorly conserved position in the protein, it is predicted to be benign by multiple in silico algorithms, and/or has population frequency not consistent with disease.

PreventionGenetics, part of Exact Sciences
Classification: Likely benign for SARS2-related condition. Last evaluated: 2024-05-01. Review status: no assertion criteria provided. Collection method: clinical testing. Allele origin: germline. Not counted in ClinVar's aggregate classification.
Comment: This variant is classified as likely benign based on ACMG/AMP sequence variant interpretation guidelines (Richards et al. 2015 PMID: 25741868, with internal and published modifications).